The following is an entry in ClinVar:

ClinVar aggregate classification (germline): Pathogenic/Likely pathogenic. Review status: criteria provided, multiple submitters, no conflicts (2 of 4 stars). 3 submissions from 3 submitters: Pathogenic (1); Likely pathogenic (1). 1 of the submissions does not count toward it. Last evaluated 2024-01-02.

Conditions:
G6PD-related disorders.
Anemia, nonspherocytic hemolytic, due to G6PD deficiency (CNSHA1). Also called: ANEMIA, CONGENITAL, NONSPHEROCYTIC HEMOLYTIC, 1; Class I glucose-6-phosphate dehydrogenase deficiency; Favism, susceptibility to; Hemolytic anemia due to G6PD deficiency. Identifiers: Orphanet 466026, MedGen C2720289, MONDO:0010480, OMIM 300908.
G6PD ZURICH.

Submissions (3):

Blueprint Genetics
Classification: Likely pathogenic for G6PD-related disorders. Last evaluated: 2024-01-02. Review status: criteria provided, single submitter. Criteria: ACMG Guidelines, 2015. Collection method: clinical testing. Allele origin: germline. Affected: yes. Observed: 3 variant alleles.

Dunham Lab, University of Washington
Classification: Pathogenic for Anemia, nonspherocytic hemolytic, due to G6PD deficiency. Last evaluated: 2022-08-12. Review status: criteria provided, single submitter. Criteria: Bayesian ACMG Guidelines, 2018. Collection method: curation. Allele origin: unknown. Affected: yes.
Comment: Mutation of canonical AG 3' acceptor splice site (PVS1) leads to deletion of three amino acids (PM4). Predicted to disrupt substrate binding site (PP3). Not found in gnomAD (PM2). Post_P 0.9997 (odds of pathogenicity 28390, Prior_P 0.1).

OMIM
Classification: other for G6PD ZURICH. Last evaluated: 2016-07-28. Review status: no assertion criteria provided. Collection method: literature only. Allele origin: germline. Not counted in ClinVar's aggregate classification.

Literature cited by the submitters: PubMed 15466166 (cited by Dunham Lab, University of Washington and OMIM).

G6PD ZURICH

Gene: G6PD (glucose-6-phosphate dehydrogenase; minus strand). Cytogenetic location: Xq28.
Variant type: single nucleotide variant.
Molecular consequence: splice acceptor variant (on NM_001360016.2).
Genome position: GRCh38 VCF-style: chrX-154532464-T-C. GRCh37 (hg19) VCF-style: chrX-153760679-T-C.
Other names: G6PD, IVS10AS, A-G, -2; G6PD Zurich; IVS10AS, A-G, -2; c.1378-2A>G (NM_000402.4); c.1288-2A>G (NM_001042351.3, NM_001360016.2).
Identifiers: ClinVar variation 10420 (VCV000010420.5), dbSNP rs2070350038, ClinGen allele CA415233794.
Genomic context (GRCh38, chrX:154,532,464, plus strand): 5'-TGGCTCCCGCAGAAGACGTCCAGGATGAGGCGCTCATAGGCGTCAGGGAGCTTCACGTTC[T>C]GTGAGGGAGAGAGTGTCTTGCTGATGCCACTGCCTGCCACCATGTGGAGTCCCCCGGGCC-3'